The following is an entry in ClinVar:

ClinVar aggregate classification (germline): Conflicting classifications of pathogenicity. Review status: criteria provided, conflicting classifications (1 of 4 stars). 3 submissions from 3 submitters: Uncertain significance (2); Likely benign (1). Last evaluated 2025-07-09.

Conditions:
Epileptic encephalopathy. Identifiers: MedGen C0543888, HP:0200134.
Inborn genetic diseases. Identifiers: MedGen C0950123, MeSH D030342.

Allele frequency attached by ClinVar (database versions not stated): TOPMed 0.00004; gnomAD exomes 0.00006.
gnomAD v4.1: 58 of 1,080,878 alleles (0.0054%); highest among the groups gnomAD compares: Non-Finnish European, 0.0064%; no homozygotes.

Submissions (3):

Labcorp Genetics (formerly Invitae), Labcorp
Classification: Likely benign for Epileptic encephalopathy. Last evaluated: 2025-07-09. Review status: criteria provided, single submitter. Criteria: Invitae Variant Classification Sherloc (09022015). Collection method: clinical testing. Allele origin: germline.

Ambry Genetics
Classification: Uncertain significance for Inborn genetic diseases. Last evaluated: 2023-09-21. Review status: criteria provided, single submitter. Criteria: Ambry Variant Classification Scheme 2023. Collection method: clinical testing. Allele origin: germline.

CeGaT Center for Human Genetics Tuebingen
Classification: Uncertain significance. Last evaluated: 2022-10-01. Review status: criteria provided, single submitter. Criteria: CeGaT Center For Human Genetics Tuebingen Variant Classification Criteria Version 2. Collection method: clinical testing. Allele origin: germline. Affected: yes. Observed: 1 variant allele.
Comment: GABBR2: PP2

NM_005458.8(GABBR2):c.58C>T (p.Pro20Ser)

Gene: GABBR2 (gamma-aminobutyric acid type B receptor subunit 2; minus strand). Cytogenetic location: 9q22.33.
Variant type: single nucleotide variant.
Coding change: c.58C>T on transcript NM_005458.8 (MANE Select); coding-DNA position 58, C replaced by T.
Protein change: p.Pro20Ser; replaces proline 20 with serine.
Molecular consequence: missense variant.
Genome position (GRCh38, 1-based): chr9:98,708,680, G>A on the plus strand (C>T on the coding strand, the complement: GABBR2 is on the minus strand). VCF-style: chr9-98708680-G-A. GRCh37 (hg19) VCF-style: chr9-101470962-G-A.
Other names: short protein forms P20S.
Identifiers: ClinVar variation 949372 (VCV000949372.34), dbSNP rs1430262254, ClinGen allele CA374212921.
Genomic context (GRCh38, chr9:98,708,680, plus strand): 5'-AGGCCCCGGGCGCCAGAGGCAGCAGCAGCGGCAGCAGCAGTAGCAGTAGCAGGCGCGCGG[G>A]CGGCGGTGGCGGCGGCGGCGGCGGCCCGGGCTGCCCGGAGCTCCGCGGGGAAGCCATGCC-3'
Protein context (NP_005449.5, residues 10-30): PGPPPPPPPP[Pro20Ser]ARLLLLLLLP